The following is an entry in ClinVar:

ClinVar aggregate classification (germline): Pathogenic (1 of 4 stars; one submission).

Conditions:
Inborn genetic diseases. Identifiers: MedGen C0950123, MeSH D030342.

Submission:

Ambry Genetics
Classification: Pathogenic for Inborn genetic diseases. Last evaluated: 2026-02-03. Review status: criteria provided, single submitter. Criteria: Ambry Variant Classification Scheme 2023. Collection method: clinical testing. Allele origin: germline.
Comment: The c.6206dupA (p.H2070Afs*8) alteration, located in exon 42 (coding exon 42) of the TRIO gene, consists of a duplication of A at position 6206, causing a translational frameshift with a predicted alternate stop codon after 8 amino acids. This alteration is expected to result in loss of function by premature protein truncation or nonsense-mediated mRNA decay. for TRIO-related neurodevelopmental disorder with microcephaly; however, it is unlikely to be causative of TRIO-related neurodevelopmental disorder with macrocephaly. This variant was not reported in population-based cohorts in the Genome Aggregation Database (gnomAD). Based on the available evidence, this alteration is classified as pathogenic.

NM_007118.4(TRIO):c.6206dup (p.His2070fs)

Gene: TRIO (trio Rho guanine nucleotide exchange factor; plus strand). Cytogenetic location: 5p15.2.
Variant type: Duplication.
Coding change: c.6206dup on transcript NM_007118.4 (MANE Select); coding-DNA position 6206, one base duplicated (A; older notation c.6206dupA).
Protein change: p.His2070fs; shifts the reading frame from histidine 2070.
Molecular consequence: frameshift variant. On other transcripts: non-coding transcript variant (1).
Genome position (GRCh38, 1-based): chr5:14,479,313, A duplicated. VCF-style (leftmost placement, unchanged base first): chr5-14479312-G-GA. GRCh37 (hg19) VCF-style: chr5-14479421-G-GA.
Other names: short protein forms H2070fs.
Identifiers: ClinVar variation 4839389 (VCV004839389.1).